The following is an entry in ClinVar:

NM_001330700.2(TOP2B):c.472G>A (p.Val158Ile)

Gene: TOP2B (DNA topoisomerase II beta; minus strand). Cytogenetic location: 3p24.2.
Variant type: single nucleotide variant.
Coding change: c.472G>A on transcript NM_001330700.2 (MANE Select); coding-DNA position 472, G replaced by A.
Protein change: p.Val158Ile; replaces valine 158 with isoleucine.
Molecular consequence: missense variant.
Genome position (GRCh38, 1-based): chr3:25,638,234, C>T on the plus strand (G>A on the coding strand, the complement: TOP2B is on the minus strand). VCF-style: chr3-25638234-C-T. GRCh37 (hg19) VCF-style: chr3-25679725-C-T.
Other names: c.457G>A, p.Val153Ile (NM_001068.3); short protein forms V153I, V158I.
Identifiers: ClinVar variation 4809499 (VCV004809499.1).

ClinVar aggregate classification (germline): Uncertain significance (1 of 4 stars; one submission).

gnomAD v4.1: 1 of 1,395,906 alleles (0.000072%); highest among the groups gnomAD compares: South Asian, 0.0012%; no homozygotes.

Submission:

Labcorp Genetics (formerly Invitae), Labcorp
Classification: Uncertain significance. Last evaluated: 2025-06-03. Review status: criteria provided, single submitter. Criteria: Invitae Variant Classification Sherloc (09022015). Collection method: clinical testing. Allele origin: germline.
Comment: This sequence change replaces valine, which is neutral and non-polar, with isoleucine, which is neutral and non-polar, at codon 153 of the TOP2B protein (p.Val153Ile). The frequency data for this variant in the population databases is considered unreliable, as metrics indicate poor data quality at this position in the gnomAD database. This variant has not been reported in the literature in individuals affected with TOP2B-related conditions. An algorithm developed to predict the effect of missense changes on protein structure and function (PolyPhen-2) suggests that this variant is likely to be disruptive. In summary, the available evidence is currently insufficient to determine the role of this variant in disease. Therefore, it has been classified as a Variant of Uncertain Significance.